The following is an entry in ClinVar:

NM_007186.6(CEP250):c.3730G>C (p.Ala1244Pro)

Gene: CEP250 (centrosomal protein 250; plus strand). Cytogenetic location: 20q11.22.
Variant type: single nucleotide variant.
Coding change: c.3730G>C on transcript NM_007186.6 (MANE Select); coding-DNA position 3730, G replaced by C.
Protein change: p.Ala1244Pro; replaces alanine 1244 with proline.
Molecular consequence: missense variant.
Genome position (GRCh38, 1-based): chr20:35,498,669, G>C. VCF-style: chr20-35498669-G-C. GRCh37 (hg19) VCF-style: chr20-34086498-G-C.
Other names: c.1834G>C, p.Ala612Pro (NM_001318219.1); short protein forms A1244P, A612P.
Identifiers: ClinVar variation 2064472 (VCV002064472.4), dbSNP rs376549355, ClinGen allele CA9833547.
Genomic context (GRCh38, chr20:35,498,669, plus strand): 5'-AGGAGCCTCTTTAAGAGAGGGCCCCTGCTGACTGCTCTCTCCGCTGAGGCAGTAGCATCT[G>C]CCCTCCACAAGCTTCATCAAGACCTGTGGAAGACTCAACAGACCCGGGTATGTTTCTCTG-3'
Protein context (NP_009117.2, residues 1234-1254): TALSAEAVAS[Ala1244Pro]LHKLHQDLWK

ClinVar aggregate classification (germline): Uncertain significance (1 of 4 stars; one submission).

Allele frequency attached by ClinVar (database versions not stated): gnomAD 0.00002; ESP Exome Variant Server 0.00008; ExAC 0.00001; gnomAD exomes 0.00002; TOPMed 0.00002.
gnomAD v4.1: 36 of 1,605,928 alleles (0.0022%); highest among the groups gnomAD compares: Non-Finnish European, 0.0029%; no homozygotes.

Submission:

Labcorp Genetics (formerly Invitae), Labcorp
Classification: Uncertain significance. Last evaluated: 2022-04-19. Review status: criteria provided, single submitter. Criteria: Invitae Variant Classification Sherloc (09022015). Collection method: clinical testing. Allele origin: germline.
Comment: In summary, the available evidence is currently insufficient to determine the role of this variant in disease. Therefore, it has been classified as a Variant of Uncertain Significance. Algorithms developed to predict the effect of missense changes on protein structure and function are either unavailable or do not agree on the potential impact of this missense change (SIFT: "Not Available"; PolyPhen-2: "Probably Damaging"; Align-GVGD: "Not Available"). This variant has not been reported in the literature in individuals affected with CEP250-related conditions. This variant is present in population databases (rs376549355, gnomAD 0.007%). This sequence change replaces alanine, which is neutral and non-polar, with proline, which is neutral and non-polar, at codon 1244 of the CEP250 protein (p.Ala1244Pro).